The following is an entry in ClinVar:

ClinVar aggregate classification (germline): Uncertain significance (1 of 4 stars; one submission).

Conditions:
RYR1-related disorder. Also called: RYR1-related condition; RYR1-related disorders. Identifiers: MedGen CN239331.

Submission:

Labcorp Genetics (formerly Invitae), Labcorp
Classification: Uncertain significance for RYR1-related disorder. Last evaluated: 2025-02-04. Review status: criteria provided, single submitter. Criteria: Invitae Variant Classification Sherloc (09022015). Collection method: clinical testing. Allele origin: germline.
Comment: This sequence change replaces aspartic acid, which is acidic and polar, with histidine, which is basic and polar, at codon 4404 of the RYR1 protein (p.Asp4404His). This variant is not present in population databases (gnomAD no frequency). This variant has not been reported in the literature in individuals affected with RYR1-related conditions. Invitae Evidence Modeling of protein sequence and biophysical properties (such as structural, functional, and spatial information, amino acid conservation, physicochemical variation, residue mobility, and thermodynamic stability) indicates that this missense variant is not expected to disrupt RYR1 protein function with a negative predictive value of 80%. In summary, the available evidence is currently insufficient to determine the role of this variant in disease. Therefore, it has been classified as a Variant of Uncertain Significance.

NM_000540.3(RYR1):c.13210G>C (p.Asp4404His)

Gene: RYR1 (ryanodine receptor 1; plus strand). Cytogenetic location: 19q13.2.
Variant type: single nucleotide variant.
Coding change: c.13210G>C on transcript NM_000540.3 (MANE Select); coding-DNA position 13210, G replaced by C.
Protein change: p.Asp4404His; replaces aspartic acid 4404 with histidine.
Molecular consequence: missense variant.
Genome position (GRCh38, 1-based): chr19:38,565,544, G>C. VCF-style: chr19-38565544-G-C. GRCh37 (hg19) VCF-style: chr19-39056184-G-C.
Other names: c.13195G>C, p.Asp4399His (NM_001042723.2); short protein forms D4399H, D4404H.
Identifiers: ClinVar variation 4700426 (VCV004700426.1).